The following is an entry in ClinVar:

NM_001042492.3(NF1):c.5514_5517del (p.Ile1839fs)

Gene: NF1 (neurofibromin 1; plus strand). Cytogenetic location: 17q11.2.
Variant type: Deletion.
Coding change: c.5514_5517del on transcript NM_001042492.3 (MANE Select); coding-DNA positions 5514 to 5517, 4 bases deleted (TATC; older notation c.5514_5517delTATC).
Protein change: p.Ile1839fs; shifts the reading frame from isoleucine 1839.
Molecular consequence: frameshift variant.
Genome position (GRCh38, 1-based): chr17:31,327,744-31,327,747, TATC deleted; deleting any 4 consecutive bases within chr17:31,327,742-31,327,747 gives the same sequence; the c. name uses the placement nearest the transcript's 3' end. VCF-style (leftmost placement, unchanged base first): chr17-31327741-CTCTA-C. GRCh37 (hg19) VCF-style: chr17-29654759-CTCTA-C.
Other names: c.5451_5454delTATC (NM_000267.3); c.5451_5454delTATC, p.Ile1818Profs (NM_000267.4); short protein forms I1818fs, I1839fs.
Identifiers: ClinVar variation 482001 (VCV000482001.11), dbSNP rs1555533621, ClinGen allele CA658658551.

ClinVar aggregate classification (germline): Pathogenic. Review status: criteria provided, multiple submitters, no conflicts (2 of 4 stars). 2 submissions from 2 submitters: Pathogenic (2). Last evaluated 2022-06-14.

Conditions:
Cardiovascular phenotype. Identifiers: MedGen CN230736.
Hereditary cancer-predisposing syndrome. Also called: Hereditary neoplastic syndrome; Neoplastic Syndromes, Hereditary; Tumor predisposition; Hereditary Cancer Syndrome. Identifiers: Orphanet 140162, MedGen C0027672, MeSH D009386, MONDO:0015356.
Neurofibromatosis-Noonan syndrome (NFNS). Also called: NEUROFIBROMATOSIS WITH NOONAN PHENOTYPE. Identifiers: Orphanet 638, MedGen C2931482, MONDO:0011035, OMIM 601321. Disease mechanism: loss of function.
Neurofibromatosis, type 1 (NF1). Also called: VON RECKLINGHAUSEN DISEASE; Peripheral type neurofibromatosis; NEUROFIBROMATOSIS, TYPE I, SOMATIC; Neurofibromatosis, type I. Identifiers: Orphanet 636, MedGen C0027831, MONDO:0018975, OMIM 162200. Disease mechanism: loss of function.
Café-au-lait macules with pulmonary stenosis (WTSN). Also called: PULMONIC STENOSIS WITH CAFE-AU-LAIT SPOTS. Identifiers: MedGen C0553586, MONDO:0008672, OMIM 193520.

Submissions (2):

Labcorp Genetics (formerly Invitae), Labcorp
Classification: Pathogenic for Neurofibromatosis, type 1. Last evaluated: 2022-06-14. Review status: criteria provided, single submitter. Criteria: Invitae Variant Classification Sherloc (09022015). Collection method: clinical testing. Allele origin: germline.
Comment: For these reasons, this variant has been classified as Pathogenic. ClinVar contains an entry for this variant (Variation ID: 482001). This variant has not been reported in the literature in individuals affected with NF1-related conditions. This variant is not present in population databases (gnomAD no frequency). This sequence change creates a premature translational stop signal (p.Ile1818Profs*23) in the NF1 gene. It is expected to result in an absent or disrupted protein product. Loss-of-function variants in NF1 are known to be pathogenic (PMID: 10712197, 23913538).

Ambry Genetics
Classification: Pathogenic for Cardiovascular phenotype; Hereditary cancer-predisposing syndrome. Last evaluated: 2017-08-29. Review status: criteria provided, single submitter. Criteria: Ambry Variant Classification Scheme 2023. Collection method: clinical testing. Allele origin: germline.
Comment: The c.5451_5454delTATC pathogenic mutation, located in coding exon 37 of the NF1 gene, results from a deletion of 4 nucleotides at nucleotide positions 5451 to 5454, causing a translational frameshift with a predicted alternate stop codon (p.I1818Pfs*23). This alteration is expected to result in loss of function by premature protein truncation or nonsense-mediated mRNA decay. As such, this alteration is interpreted as a disease-causing mutation.

Literature cited by the submitters: PubMed 10712197 (cited by Labcorp Genetics (formerly Invitae), Labcorp); PubMed 23913538 (cited by Labcorp Genetics (formerly Invitae), Labcorp).